The following is an entry in ClinVar:

NM_024422.6(DSC2):c.2250G>A (p.Val750=)

Gene: DSC2 (desmocollin 2; minus strand). Cytogenetic location: 18q12.1.
Variant type: single nucleotide variant.
Coding change: c.2250G>A on transcript NM_024422.6 (MANE Select); coding-DNA position 2250, G replaced by A.
Protein change: p.Val750=; no amino-acid change (valine 750 retained).
Molecular consequence: synonymous variant.
Genome position (GRCh38, 1-based): chr18:31,070,726, C>T on the plus strand (G>A on the coding strand, the complement: DSC2 is on the minus strand). VCF-style: chr18-31070726-C-T. GRCh37 (hg19) VCF-style: chr18-28650692-C-T.
Other names: c.1821G>A, p.Val607= (NM_001406506.1, NM_001406507.1); c.2250G>A, p.Val750= (NM_004949.5).
Identifiers: ClinVar variation 3689603 (VCV003689603.2).
Genomic context (GRCh38, chr18:31,070,726, plus strand): 5'-GGAATACGCATTATAAGCGAATTCATCCTTTGTATTTATTTAAAAAGCCAGACTACTTAC[C>T]ACTTTGTCATCTCCAGGAGCTTCTGTGTTTGATACAATTAGGTTCTGCTGGGCTAAATCA-3'
Protein context (NP_077740.1, residues 740-760): SNTEAPGDDK[Val750=]YSANGFTTQT

ClinVar aggregate classification (germline): Uncertain significance (1 of 4 stars; one submission).

Conditions:
Arrhythmogenic right ventricular dysplasia 11. Also called: ARRHYTHMOGENIC RIGHT VENTRICULAR DYSPLASIA, FAMILIAL, 11; Arrhythmogenic Right Ventricular Dysplasia/Cardiomyopathy11; Arrhythmogenic right ventricular dysplasia 11 with mild palmoplantar keratoderma and woolly hair. Identifiers: MedGen C1864850, MONDO:0012506, OMIM 610476.

Submission:

Labcorp Genetics (formerly Invitae), Labcorp
Classification: Uncertain significance for Arrhythmogenic right ventricular dysplasia 11. Last evaluated: 2024-08-04. Review status: criteria provided, single submitter. Criteria: Invitae Variant Classification Sherloc (09022015). Collection method: clinical testing. Allele origin: germline.
Comment: This sequence change affects codon 750 of the DSC2 mRNA. It is a 'silent' change, meaning that it does not change the encoded amino acid sequence of the DSC2 protein. This variant also falls at the last nucleotide of exon 14, which is part of the consensus splice site for this exon. This variant is not present in population databases (gnomAD no frequency). This variant has not been reported in the literature in individuals affected with DSC2-related conditions. Variants that disrupt the consensus splice site are a relatively common cause of aberrant splicing (PMID: 17576681, 9536098). Algorithms developed to predict the effect of sequence changes on RNA splicing suggest that this variant is not likely to affect RNA splicing. In summary, the available evidence is currently insufficient to determine the role of this variant in disease. Therefore, it has been classified as a Variant of Uncertain Significance.

Literature cited by the submitters: PubMed 17576681; PubMed 9536098.